The following is an entry in ClinVar:

NM_001375524.1(TRRAP):c.5385G>A (p.Gly1795=)

Gene: TRRAP (transformation/transcription domain associated protein; plus strand). Cytogenetic location: 7q22.1.
Variant type: single nucleotide variant.
Coding change: c.5385G>A on transcript NM_001375524.1 (MANE Select); coding-DNA position 5385, G replaced by A.
Protein change: p.Gly1795=; no amino-acid change (glycine 1795 retained).
Molecular consequence: synonymous variant.
Genome position (GRCh38, 1-based): chr7:98,950,926, G>A. VCF-style: chr7-98950926-G-A. GRCh37 (hg19) VCF-style: chr7-98548549-G-A.
Other names: c.5364G>A, p.Gly1788= (NM_001244580.2); c.5310G>A, p.Gly1770= (NM_003496.4).
Identifiers: ClinVar variation 3040479 (VCV003040479.2), dbSNP rs782245498, ClinGen allele CA4360551.

ClinVar aggregate classification (germline): Likely benign (0 of 4 stars; one submission).

Conditions:
TRRAP-related disorder. Also called: TRRAP-related condition.

Allele frequency attached by ClinVar (database versions not stated): ExAC 0.00001.
gnomAD v4.1: 5 of 1,607,714 alleles (0.00031%); highest among the groups gnomAD compares: Non-Finnish European, 0.00034%; no homozygotes.

Submission:

PreventionGenetics, part of Exact Sciences
Classification: Likely benign for TRRAP-related condition. Last evaluated: 2019-09-19. Review status: no assertion criteria provided. Collection method: clinical testing. Allele origin: germline.
Comment: This variant is classified as likely benign based on ACMG/AMP sequence variant interpretation guidelines (Richards et al. 2015 PMID: 25741868, with internal and published modifications).